The following is an entry in ClinVar:

ClinVar aggregate classification (germline): Uncertain significance (1 of 4 stars; one submission).

Submission:

GeneDx
Classification: Uncertain significance. Last evaluated: 2023-11-03. Review status: criteria provided, single submitter. Criteria: GeneDx Variant Classification Process June 2021. Collection method: clinical testing. Allele origin: germline. Affected: yes.
Comment: Has not been previously published as pathogenic or benign to our knowledge; Not observed at significant frequency in large population cohorts (gnomAD); In silico analysis supports that this missense variant has a deleterious effect on protein structure/function; This variant is associated with the following publications: (PMID: 10939567)

NM_170707.4(LMNA):c.1067T>C (p.Leu356Pro)

Gene: LMNA (lamin A/C; plus strand). Cytogenetic location: 1q22.
Variant type: single nucleotide variant.
Coding change: c.1067T>C on transcript NM_170707.4 (MANE Select); coding-DNA position 1067, T replaced by C.
Protein change: p.Leu356Pro; replaces leucine 356 with proline.
Molecular consequence: missense variant.
Genome position (GRCh38, 1-based): chr1:156,136,031, T>C. VCF-style: chr1-156136031-T-C. GRCh37 (hg19) VCF-style: chr1-156105822-T-C.
Other names: c.1067T>C, p.Leu356Pro (NM_001282625.2, NM_001282626.2, NM_001406983.1 and 6 more transcripts); c.824T>C, p.Leu275Pro (NM_001406987.1, NM_001282624.2, NM_001406986.1); c.770T>C, p.Leu257Pro (NM_001406988.1); c.731T>C, p.Leu244Pro (NM_001257374.3, NM_001406989.1, NM_001406998.1); c.509T>C, p.Leu170Pro (NM_001406990.1, NM_001406993.1, NM_001406995.1 and 4 more transcripts); c.443T>C, p.Leu148Pro (NM_001406994.1, NM_001406999.1, NM_001407000.1 and 1 more transcripts); short protein forms L148P, L170P, L244P, L257P, L275P, L356P.
Identifiers: ClinVar variation 3338744 (VCV003338744.1).